The following is an entry in ClinVar:

NM_002691.4(POLD1):c.725C>T (p.Ala242Val)

Gene: POLD1 (DNA polymerase delta 1, catalytic subunit; plus strand). Cytogenetic location: 19q13.33.
Variant type: single nucleotide variant.
Coding change: c.725C>T on transcript NM_002691.4 (MANE Select); coding-DNA position 725, C replaced by T.
Protein change: p.Ala242Val; replaces alanine 242 with valine.
Molecular consequence: missense variant. On other transcripts: non-coding transcript variant (1).
Genome position (GRCh38, 1-based): chr19:50,402,340, C>T. VCF-style: chr19-50402340-C-T. GRCh37 (hg19) VCF-style: chr19-50905597-C-T.
Other names: c.725C>T, p.Ala242Val (NM_001256849.1, NM_001308632.1); short protein forms A242V.
Identifiers: ClinVar variation 469382 (VCV000469382.15), dbSNP rs753689379, ClinGen allele CA9595869.
Genomic context (GRCh38, chr19:50,402,340, plus strand): 5'-CGGCCCGCCGTCTCCTGGAACAGGGCATCCGTGTGGCAGGCCTGGGCACGCCCAGCTTCG[C>T]GCCCTACGAGGCCAACGTCGACTTTGAGATCCGGTACGGCCTCTGCCTCACTTCTCCGGC-3'
Protein context (NP_002682.2, residues 232-252): RVAGLGTPSF[Ala242Val]PYEANVDFEI

ClinVar aggregate classification (germline): Uncertain significance. Review status: criteria provided, multiple submitters, no conflicts (2 of 4 stars). 3 submissions from 3 submitters: Uncertain significance (3). Last evaluated 2025-11-30.

Conditions:
POLD1-related polyposis and colorectal cancer syndrome (CRCS10). Also called: Colorectal cancer 10; COLORECTAL CANCER, SUSCEPTIBILITY TO, ON CHROMOSOME 19q; Colorectal cancer, susceptibility to, 10. Identifiers: Orphanet 220460, MedGen C2675481, MONDO:0012953, OMIM 612591.
Hereditary cancer-predisposing syndrome. Also called: Neoplastic Syndromes, Hereditary; Hereditary neoplastic syndrome; Tumor predisposition; Hereditary Cancer Syndrome. Identifiers: Orphanet 140162, MedGen C0027672, MeSH D009386, MONDO:0015356.

Allele frequency attached by ClinVar (database versions not stated): gnomAD 0.00001; gnomAD exomes 0.00001; ExAC 0.00002; TOPMed 0.00002.
gnomAD v4.1: 13 of 1,610,940 alleles (0.00081%); highest among the groups gnomAD compares: Middle Eastern, 0.016%; no homozygotes.

Submissions (3):

Ambry Genetics
Classification: Uncertain significance for Hereditary cancer-predisposing syndrome. Last evaluated: 2025-11-30. Review status: criteria provided, single submitter. Criteria: Ambry Variant Classification Scheme 2023. Collection method: clinical testing. Allele origin: germline.
Comment: The p.A242V variant (also known as c.725C>T), located in coding exon 5 of the POLD1 gene, results from a C to T substitution at nucleotide position 725. The alanine at codon 242 is replaced by valine, an amino acid with similar properties. This amino acid position is conserved. In addition, this alteration is predicted to be tolerated by in silico analysis. Since supporting evidence is limited at this time, the clinical significance of this alteration remains unclear.

Labcorp Genetics (formerly Invitae), Labcorp
Classification: Uncertain significance for POLD1-related polyposis and colorectal cancer syndrome. Last evaluated: 2025-10-23. Review status: criteria provided, single submitter. Criteria: Invitae Variant Classification Sherloc (09022015). Collection method: clinical testing. Allele origin: germline.
Comment: This sequence change replaces alanine, which is neutral and non-polar, with valine, which is neutral and non-polar, at codon 242 of the POLD1 protein (p.Ala242Val). The frequency data for this variant in the population databases is considered unreliable, as metrics indicate poor data quality at this position in the gnomAD database. This variant has not been reported in the literature in individuals affected with POLD1-related conditions. ClinVar contains an entry for this variant (Variation ID: 469382). Invitae Evidence Modeling of protein sequence and biophysical properties (such as structural, functional, and spatial information, amino acid conservation, physicochemical variation, residue mobility, and thermodynamic stability) indicates that this missense variant is not expected to disrupt POLD1 protein function with a negative predictive value of 80%. In summary, the available evidence is currently insufficient to determine the role of this variant in disease. Therefore, it has been classified as a Variant of Uncertain Significance.

GeneDx
Classification: Uncertain significance. Last evaluated: 2024-05-24. Review status: criteria provided, single submitter. Criteria: GeneDx Variant Classification Process June 2021. Collection method: clinical testing. Allele origin: germline. Affected: yes.
Comment: Not observed at significant frequency in large population cohorts (gnomAD); In silico analysis indicates that this missense variant does not alter protein structure/function; Has not been previously published as pathogenic or benign to our knowledge; This variant is associated with the following publications: (PMID: 29056344)